The following is an entry in ClinVar:

ClinVar aggregate classification (germline): Uncertain significance (1 of 4 stars; one submission).

Submission:

Labcorp Genetics (formerly Invitae), Labcorp
Classification: Uncertain significance. Last evaluated: 2024-09-16. Review status: criteria provided, single submitter. Criteria: Invitae Variant Classification Sherloc (09022015). Collection method: clinical testing. Allele origin: germline.
Comment: This sequence change replaces arginine, which is basic and polar, with serine, which is neutral and polar, at codon 230 of the TBX20 protein (p.Arg230Ser). This variant is not present in population databases (gnomAD no frequency). This variant has not been reported in the literature in individuals affected with TBX20-related conditions. Invitae Evidence Modeling of protein sequence and biophysical properties (such as structural, functional, and spatial information, amino acid conservation, physicochemical variation, residue mobility, and thermodynamic stability) indicates that this missense variant is expected to disrupt TBX20 protein function with a positive predictive value of 80%. In summary, the available evidence is currently insufficient to determine the role of this variant in disease. Therefore, it has been classified as a Variant of Uncertain Significance.

NM_001077653.2(TBX20):c.690G>C (p.Arg230Ser)

Gene: TBX20 (T-box transcription factor 20; minus strand). Cytogenetic location: 7p14.2.
Variant type: single nucleotide variant.
Coding change: c.690G>C on transcript NM_001077653.2 (MANE Select); coding-DNA position 690, G replaced by C.
Protein change: p.Arg230Ser; replaces arginine 230 with serine.
Molecular consequence: missense variant.
Genome position (GRCh38, 1-based): chr7:35,241,002, C>G on the plus strand (G>C on the coding strand, the complement: TBX20 is on the minus strand). VCF-style: chr7-35241002-C-G. GRCh37 (hg19) VCF-style: chr7-35280614-C-G.
Other names: c.690G>C, p.Arg230Ser (NM_001166220.1); short protein forms R230S.
Identifiers: ClinVar variation 3707647 (VCV003707647.2).